The following is an entry in ClinVar:

NM_182760.4(SUMF1):c.659G>A (p.Trp220Ter)

Gene: SUMF1 (sulfatase modifying factor 1; minus strand). Cytogenetic location: 3p26.1.
Variant type: single nucleotide variant.
Coding change: c.659G>A on transcript NM_182760.4 (MANE Select); coding-DNA position 659, G replaced by A.
Protein change: p.Trp220Ter; replaces tryptophan 220 with a stop codon.
Molecular consequence: nonsense.
Genome position (GRCh38, 1-based): chr3:4,418,076, C>T on the plus strand (G>A on the coding strand, the complement: SUMF1 is on the minus strand). VCF-style: chr3-4418076-C-T. GRCh37 (hg19) VCF-style: chr3-4459760-C-T.
Other names: c.584G>A, p.Trp195Ter (NM_001164674.2); c.659G>A, p.Trp220Ter (NM_001164675.2); short protein forms W220*, W195*.
Identifiers: ClinVar variation 638975 (VCV000638975.7), dbSNP rs1575197564, ClinGen allele CA351632673.

ClinVar aggregate classification (germline): Pathogenic/Likely pathogenic. Review status: criteria provided, multiple submitters, no conflicts (2 of 4 stars). 3 submissions from 3 submitters: Pathogenic (2); Likely pathogenic (1). Last evaluated 2024-09-04.

Conditions:
Multiple sulfatase deficiency (MSD). Also called: Sulfatidosis, Juvenile, Austin Type; Mucosulfatidosis; Multiple Sulfatase Deficiency Disease. Identifiers: Orphanet 585, MedGen C0268263, MONDO:0010088, OMIM 272200.

gnomAD v4.1: 3 of 1,614,074 alleles (0.00019%); highest among the groups gnomAD compares: Non-Finnish European, 0.00025%; no homozygotes.

Submissions (3):

Natera, Inc.
Classification: Likely pathogenic for Multiple sulfatase deficiency. Last evaluated: 2024-09-04. Review status: criteria provided, single submitter. Criteria: Natera Variant Classification Schema (03/2026). Collection method: clinical testing. Allele origin: germline.
Comment: The c.659G>A variant in SUMF1 is a nonsense variant predicted to introduce a stop codon at amino acid 220. This variant is expected to result in nonsense mediated decay, truncation, or a dysfunctional protein product. This variant is rare in the general population with a frequency below the threshold expected for the associated phenotype(s). Given the available evidence, this variant is classified as Likely Pathogenic.

Myriad Genetics, Inc.
Classification: Pathogenic for Multiple sulfatase deficiency. Last evaluated: 2024-05-08. Review status: criteria provided, single submitter. Criteria: Myriad Autosomal Dominant, Autosomal Recessive and X-Linked Classification Criteria (2023). Collection method: clinical testing. Allele origin: unknown.
Comment: NM_182760.3(SUMF1):c.659G>A(W220*) is expected to be pathogenic in the context of multiple sulfatase deficiency. This variant is predicted to lead to an abnormal or absent protein product due to the creation of a premature termination codon in SUMF1, a gene where loss-of-function variants are known to be pathogenic. Please note: this variant was assessed in the context of healthy population screening.

Labcorp Genetics (formerly Invitae), Labcorp
Classification: Pathogenic for Multiple sulfatase deficiency. Last evaluated: 2022-04-28. Review status: criteria provided, single submitter. Criteria: Invitae Variant Classification Sherloc (09022015). Collection method: clinical testing. Allele origin: germline.
Comment: This sequence change creates a premature translational stop signal (p.Trp220*) in the SUMF1 gene. It is expected to result in an absent or disrupted protein product. Loss-of-function variants in SUMF1 are known to be pathogenic (PMID: 12757705, 12757706, 25885655). This variant is not present in population databases (gnomAD no frequency). This variant has not been reported in the literature in individuals affected with SUMF1-related conditions. ClinVar contains an entry for this variant (Variation ID: 638975). Algorithms developed to predict the effect of sequence changes on RNA splicing suggest that this variant may create or strengthen a splice site. For these reasons, this variant has been classified as Pathogenic.

Literature cited by the submitters: PubMed 12757705 (cited by Labcorp Genetics (formerly Invitae), Labcorp); PubMed 12757706 (cited by Labcorp Genetics (formerly Invitae), Labcorp); PubMed 25885655 (cited by Labcorp Genetics (formerly Invitae), Labcorp).